The following is an entry in ClinVar:

ClinVar aggregate classification (germline): Uncertain significance (1 of 4 stars; one submission).

Submission:

Ambry Genetics
Classification: Uncertain significance. Last evaluated: 2023-11-29. Review status: criteria provided, single submitter. Criteria: Ambry Variant Classification Scheme 2023. Collection method: clinical testing. Allele origin: germline.
Comment: The p.P1232H variant (also known as c.3695C>A), located in coding exon 31 of the PRKDC gene, results from a C to A substitution at nucleotide position 3695. The proline at codon 1232 is replaced by histidine, an amino acid with similar properties. This amino acid position is conserved. In addition, this alteration is predicted to be tolerated by in silico analysis. Since supporting evidence is limited at this time, the clinical significance of this alteration remains unclear.

NM_006904.7(PRKDC):c.3695C>A (p.Pro1232His)

Gene: PRKDC (protein kinase, DNA-activated, catalytic subunit; minus strand). Cytogenetic location: 8q11.21.
Variant type: single nucleotide variant.
Coding change: c.3695C>A on transcript NM_006904.7 (MANE Select); coding-DNA position 3695, C replaced by A.
Protein change: p.Pro1232His; replaces proline 1232 with histidine.
Molecular consequence: missense variant.
Genome position (GRCh38, 1-based): chr8:47,893,291, G>T on the plus strand (C>A on the coding strand, the complement: PRKDC is on the minus strand). VCF-style: chr8-47893291-G-T. GRCh37 (hg19) VCF-style: chr8-48805851-G-T.
Other names: c.3695C>A, p.Pro1232His (NM_001081640.2); short protein forms P1232H.
Identifiers: ClinVar variation 3225846 (VCV003225846.1), dbSNP rs1447784596, ClinGen allele CA371150706.